The following is an entry in ClinVar:

NC_000009.11:g.(?_214977)_(286656_?)dup

Genes: DOCK8 (dedicator of cytokinesis 8; plus strand), DOCK8-AS1 (DOCK8 antisense RNA 1; minus strand). Cytogenetic location: 9p24.3.
Variant type: Duplication.
Identifiers: ClinVar variation 2427722 (VCV002427722.8).

ClinVar aggregate classification (germline): Uncertain significance. Review status: criteria provided, single submitter (1 of 4 stars). 2 submissions from 1 submitter: Uncertain significance (2). Last evaluated 2022-08-15.

Conditions:
Combined immunodeficiency due to DOCK8 deficiency (HIES2). Also called: HIES autosomal recessive; Hyper-IgE recurrent infection syndrome, autosomal recessive; DOCK8 Deficiency; HYPER-IgE RECURRENT INFECTION SYNDROME 2, AUTOSOMAL RECESSIVE; HYPER-IgE SYNDROME 2, AUTOSOMAL RECESSIVE, WITH RECURRENT INFECTIONS. Identifiers: Orphanet 217390, MedGen C4722305, MONDO:0009478, OMIM 243700.

Submissions (2):

Labcorp Genetics (formerly Invitae), Labcorp
Classification: Uncertain significance for Combined immunodeficiency due to DOCK8 deficiency. Last evaluated: 2022-08-15. Review status: criteria provided, single submitter. Criteria: Invitae Variant Classification Sherloc (09022015). Collection method: clinical testing. Allele origin: germline.
Comment: This variant results in a copy number gain of the genomic region encompassing exon(s) 1-3 of the DOCK8 gene. This region includes the initiator codon of the gene. This copy number gain extends beyond the assayed region for this gene and therefore may encompass additional genes. As the precise location of this event is unknown, it may be in tandem or it may be located elsewhere in the genome. This variant has not been reported in the literature in individuals affected with DOCK8-related conditions. Experimental studies and prediction algorithms are not available or were not evaluated, and the functional significance of this variant is currently unknown. In summary, the available evidence is currently insufficient to determine the role of this variant in disease. Therefore, it has been classified as a Variant of Uncertain Significance.

Labcorp Genetics (formerly Invitae), Labcorp
Classification: Uncertain significance for Combined immunodeficiency due to DOCK8 deficiency. Last evaluated: 2022-08-15. Review status: criteria provided, single submitter. Criteria: Invitae Variant Classification Sherloc (09022015). Collection method: clinical testing. Allele origin: unknown.
Comment: Experimental studies and prediction algorithms are not available or were not evaluated, and the functional significance of this variant is currently unknown. In summary, the available evidence is currently insufficient to determine the role of this variant in disease. Therefore, it has been classified as a Variant of Uncertain Significance. This variant has not been reported in the literature in individuals affected with DOCK8-related conditions. This variant results in a copy number gain of the genomic region encompassing exon(s) 1-3 of the DOCK8 gene. This region includes the initiator codon of the gene. This copy number gain extends beyond the assayed region for this gene and therefore may encompass additional genes. As the precise location of this event is unknown, it may be in tandem or it may be located elsewhere in the genome.